The following is an entry in ClinVar:

NM_000127.3(EXT1):c.1652T>A (p.Leu551Gln)

Gene: EXT1 (exostosin glycosyltransferase 1; minus strand). Cytogenetic location: 8q24.11.
Variant type: single nucleotide variant.
Coding change: c.1652T>A on transcript NM_000127.3 (MANE Select); coding-DNA position 1652, T replaced by A.
Protein change: p.Leu551Gln; replaces leucine 551 with glutamine.
Molecular consequence: missense variant.
Genome position (GRCh38, 1-based): chr8:117,812,942, A>T on the plus strand (T>A on the coding strand, the complement: EXT1 is on the minus strand). VCF-style: chr8-117812942-A-T. GRCh37 (hg19) VCF-style: chr8-118825181-A-T.
Other names: c.1652T>A (NM_000127.2); short protein forms L551Q.
Identifiers: ClinVar variation 1419624 (VCV001419624.7), dbSNP rs745890180, ClinGen allele CA4854058.

ClinVar aggregate classification (germline): Uncertain significance. Review status: criteria provided, multiple submitters, no conflicts (2 of 4 stars). 2 submissions from 2 submitters: Uncertain significance (2). Last evaluated 2026-03-12.

Conditions:
Inborn genetic diseases. Identifiers: MedGen C0950123, MeSH D030342.
Multiple congenital exostosis (EXT). Also called: Hereditary multiple exostoses; Hereditary multiple exostosis; Multiple exostoses; Multiple osteochondromas; MULTIPLE CARTILAGINOUS EXOSTOSES; Hereditary multiple osteochondromas. Identifiers: Orphanet 321, MedGen C0015306, MONDO:0005508, HP:0002762.

Allele frequency attached by ClinVar (database versions not stated): gnomAD exomes 0.00001 and 0.00002; ExAC 0.00004; gnomAD 0.00005 and 0.00006; TOPMed 0.00006.
gnomAD v4.1: 18 of 1,613,834 alleles (0.0011%); highest among the groups gnomAD compares: African/African-American, 0.023%; no homozygotes.

Submissions (2):

Ambry Genetics
Classification: Uncertain significance for Inborn genetic diseases. Last evaluated: 2026-03-12. Review status: criteria provided, single submitter. Criteria: Ambry Variant Classification Scheme 2023. Collection method: clinical testing. Allele origin: germline.

Labcorp Genetics (formerly Invitae), Labcorp
Classification: Uncertain significance for Multiple congenital exostosis. Last evaluated: 2024-12-02. Review status: criteria provided, single submitter. Criteria: Invitae Variant Classification Sherloc (09022015). Collection method: clinical testing. Allele origin: germline.
Comment: This sequence change replaces leucine, which is neutral and non-polar, with glutamine, which is neutral and polar, at codon 551 of the EXT1 protein (p.Leu551Gln). This variant is present in population databases (rs745890180, gnomAD 0.03%). This variant has not been reported in the literature in individuals affected with EXT1-related conditions. ClinVar contains an entry for this variant (Variation ID: 1419624). Invitae Evidence Modeling of protein sequence and biophysical properties (such as structural, functional, and spatial information, amino acid conservation, physicochemical variation, residue mobility, and thermodynamic stability) indicates that this missense variant is not expected to disrupt EXT1 protein function with a negative predictive value of 80%. In summary, the available evidence is currently insufficient to determine the role of this variant in disease. Therefore, it has been classified as a Variant of Uncertain Significance.